The following is an entry in ClinVar:

ClinVar aggregate classification (germline): Uncertain significance (1 of 4 stars; one submission).

Conditions:
Neuropathy, hereditary sensory and autonomic, type 1C. Also called: HSAN IC; HSN IC. Identifiers: Orphanet 36386, MedGen C3150896, MONDO:0013337, OMIM 613640.

Allele frequency attached by ClinVar (database versions not stated): gnomAD exomes below 0.00001 and 0.00001; gnomAD 0.00001; TOPMed 0.00001; ExAC 0.00002; ESP Exome Variant Server 0.00008.
gnomAD v4.1: 5 of 1,613,858 alleles (0.00031%); highest among the groups gnomAD compares: East Asian, 0.0022%; no homozygotes.

Submission:

Labcorp Genetics (formerly Invitae), Labcorp
Classification: Uncertain significance for Neuropathy, hereditary sensory and autonomic, type 1C. Last evaluated: 2020-09-17. Review status: criteria provided, single submitter. Criteria: Invitae Variant Classification Sherloc (09022015). Collection method: clinical testing. Allele origin: germline.
Comment: This sequence change replaces cysteine with arginine at codon 438 of the SPTLC2 protein (p.Cys438Arg). The cysteine residue is moderately conserved and there is a large physicochemical difference between cysteine and arginine. This variant is present in population databases (rs151141805, ExAC 0.01%). This variant has not been reported in the literature in individuals with SPTLC2-related conditions. Algorithms developed to predict the effect of missense changes on protein structure and function (SIFT, PolyPhen-2, Align-GVGD) all suggest that this variant is likely to be tolerated, but these predictions have not been confirmed by published functional studies and their clinical significance is uncertain. In summary, the available evidence is currently insufficient to determine the role of this variant in disease. Therefore, it has been classified as a Variant of Uncertain Significance.

NM_004863.4(SPTLC2):c.1312T>C (p.Cys438Arg)

Gene: SPTLC2 (serine palmitoyltransferase long chain base subunit 2; minus strand). Cytogenetic location: 14q24.3.
Variant type: single nucleotide variant.
Coding change: c.1312T>C on transcript NM_004863.4 (MANE Select); coding-DNA position 1312, T replaced by C.
Protein change: p.Cys438Arg; replaces cysteine 438 with arginine.
Molecular consequence: missense variant.
Genome position (GRCh38, 1-based): chr14:77,521,573, A>G on the plus strand (T>C on the coding strand, the complement: SPTLC2 is on the minus strand). VCF-style: chr14-77521573-A-G. GRCh37 (hg19) VCF-style: chr14-77987916-A-G.
Other names: short protein forms C438R.
Identifiers: ClinVar variation 1021216 (VCV001021216.8), dbSNP rs151141805, ClinGen allele CA7289181.